The following is an entry in ClinVar:

NM_032776.3(JMJD1C):c.6631A>G (p.Ile2211Val)

Gene: JMJD1C (jumonji domain containing 1C; minus strand). Cytogenetic location: 10q21.3.
Variant type: single nucleotide variant.
Coding change: c.6631A>G on transcript NM_032776.3 (MANE Select); coding-DNA position 6631, A replaced by G.
Protein change: p.Ile2211Val; replaces isoleucine 2211 with valine.
Molecular consequence: missense variant. On other transcripts: non-coding transcript variant (1).
Genome position (GRCh38, 1-based): chr10:63,186,323, T>C on the plus strand (A>G on the coding strand, the complement: JMJD1C is on the minus strand). VCF-style: chr10-63186323-T-C. GRCh37 (hg19) VCF-style: chr10-64946083-T-C.
Other names: c.6085A>G, p.Ile2029Val (NM_001282948.2, NM_001318154.2); c.5767A>G, p.Ile1923Val (NM_001318153.2); c.6517A>G, p.Ile2173Val (NM_001322252.2); c.5974A>G, p.Ile1992Val (NM_001322254.2, NM_001322258.2); c.6631A>G (NM_032776.1); short protein forms I1923V, I1992V, I2029V, I2173V, I2211V.
Identifiers: ClinVar variation 1057919 (VCV001057919.9), dbSNP rs748990512, ClinGen allele CA5517823.
Genomic context (GRCh38, chr10:63,186,323, plus strand): 5'-AAATGATGCTATCTTTGCAGTTCAGGAGATCAGCTTGGTGGTCTCCAAAATCAAGACTAA[T>C]TGATTCCGCCTTCCATAGGCTAATGTTCATTTTCTTATGCACACCAGAAACCACTGCAGG-3'
Protein context (NP_116165.1, residues 2201-2221): MNISLWKAES[Ile2211Val]SLDFGDHQAD

ClinVar aggregate classification (germline): Uncertain significance. Review status: criteria provided, multiple submitters, no conflicts (2 of 4 stars). 3 submissions from 3 submitters: Uncertain significance (3). Last evaluated 2025-06-29.

Conditions:
Early Myoclonic Encephalopathy. Identifiers: MedGen C0270855.

Allele frequency attached by ClinVar (database versions not stated): ExAC 0.00001; gnomAD 0.00001; TOPMed 0.00001; gnomAD exomes 0.00002.
gnomAD v4.1: 30 of 1,613,626 alleles (0.0019%); highest among the groups gnomAD compares: South Asian, 0.0033%; 1 homozygote.

Submissions (3):

Ambry Genetics
Classification: Uncertain significance. Last evaluated: 2025-06-29. Review status: criteria provided, single submitter. Criteria: Ambry Variant Classification Scheme 2023. Collection method: clinical testing. Allele origin: germline.

Labcorp Genetics (formerly Invitae), Labcorp
Classification: Uncertain significance for Early Myoclonic Encephalopathy. Last evaluated: 2024-03-03. Review status: criteria provided, single submitter. Criteria: Invitae Variant Classification Sherloc (09022015). Collection method: clinical testing. Allele origin: germline.
Comment: This sequence change replaces isoleucine, which is neutral and non-polar, with valine, which is neutral and non-polar, at codon 2211 of the JMJD1C protein (p.Ile2211Val). This variant is present in population databases (rs748990512, gnomAD 0.004%). This variant has not been reported in the literature in individuals affected with JMJD1C-related conditions. ClinVar contains an entry for this variant (Variation ID: 1057919). Advanced modeling of protein sequence and biophysical properties (such as structural, functional, and spatial information, amino acid conservation, physicochemical variation, residue mobility, and thermodynamic stability) performed at Invitae indicates that this missense variant is expected to disrupt JMJD1C protein function with a positive predictive value of 80%. In summary, the available evidence is currently insufficient to determine the role of this variant in disease. Therefore, it has been classified as a Variant of Uncertain Significance.

Revvity Omics, Revvity
Classification: Uncertain significance. Last evaluated: 2023-11-10. Review status: criteria provided, single submitter. Criteria: ACMG Guidelines, 2015. Collection method: clinical testing. Allele origin: germline.